The following is an entry in ClinVar:

NM_000038.6(APC):c.4574T>C (p.Met1525Thr)

Gene: APC (APC regulator of Wnt signaling pathway; plus strand). Cytogenetic location: 5q22.2.
Variant type: single nucleotide variant.
Coding change: c.4574T>C on transcript NM_000038.6 (MANE Select); coding-DNA position 4574, T replaced by C.
Protein change: p.Met1525Thr; replaces methionine 1525 with threonine.
Molecular consequence: missense variant.
Genome position (GRCh38, 1-based): chr5:112,840,168, T>C. VCF-style: chr5-112840168-T-C. GRCh37 (hg19) VCF-style: chr5-112175865-T-C.
Other names: c.4574T>C, p.Met1525Thr (NM_001127510.3, NM_001354895.2); c.4520T>C, p.Met1507Thr (NM_001127511.3); c.4628T>C, p.Met1543Thr (NM_001354896.2); c.4604T>C, p.Met1535Thr (NM_001354897.2); c.4499T>C, p.Met1500Thr (NM_001354898.2); c.4490T>C, p.Met1497Thr (NM_001354899.2); c.4451T>C, p.Met1484Thr (NM_001354900.2); c.4397T>C, p.Met1466Thr (NM_001354901.2); and 5 more; short protein forms M1242T, M1365T, M1399T, M1424T, M1434T, M1466T, M1484T, M1497T.
Identifiers: ClinVar variation 1016142 (VCV001016142.13), dbSNP rs1554085979, ClinGen allele CA16031347.

ClinVar aggregate classification (germline): Uncertain significance. Review status: criteria provided, multiple submitters, no conflicts (2 of 4 stars). 4 submissions from 4 submitters: Uncertain significance (4). Last evaluated 2023-08-15.

Conditions:
Hereditary cancer-predisposing syndrome. Also called: Hereditary Cancer Syndrome; Tumor predisposition; Neoplastic Syndromes, Hereditary; Hereditary neoplastic syndrome. Identifiers: Orphanet 140162, MedGen C0027672, MeSH D009386, MONDO:0015356.
Classic or attenuated familial adenomatous polyposis. Identifiers: MedGen CN372698, MONDO:0021057.
Familial adenomatous polyposis 1 (FAP1). Also called: FAMILIAL ADENOMATOUS POLYPOSIS 1, ATTENUATED; POLYPOSIS, ADENOMATOUS INTESTINAL. Identifiers: MedGen C2713442, MONDO:0021056, OMIM 175100. Disease mechanism: loss of function.

Allele frequency attached by ClinVar (database versions not stated): gnomAD exomes below 0.00001.

Submissions (4):

All of Us Research Program, National Institutes of Health
Classification: Uncertain significance for Classic or attenuated familial adenomatous polyposis. Last evaluated: 2023-08-15. Review status: criteria provided, single submitter. Criteria: ACMG Guidelines, 2015. Collection method: clinical testing. Allele origin: germline. Inheritance: Autosomal dominant inheritance. Observed: 1 variant allele, 1 heterozygote.
Comment: This missense variant replaces methionine with threonine at codon 1525 of the APC protein. Computational prediction suggests that this variant may not impact protein structure and function (internally defined REVEL score threshold <= 0.5, PMID: 27666373). To our knowledge, functional studies have not been reported for this variant. This variant has not been reported in individuals affected with APC-related disorders in the literature. This variant has not been identified in the general population by the Genome Aggregation Database (gnomAD). The available evidence is insufficient to determine the role of this variant in disease conclusively. Therefore, this variant is classified as a Variant of Uncertain Significance.

This study involves interpretation of variants in research participants for the purpose of population health screening. Participant phenotype was not available at the time of variant classification. Additional details can be found in publication PMID: 35346344, PMCID: PMC8962531

Labcorp Genetics (formerly Invitae), Labcorp
Classification: Uncertain significance for Familial adenomatous polyposis 1. Last evaluated: 2022-06-26. Review status: criteria provided, single submitter. Criteria: Invitae Variant Classification Sherloc (09022015). Collection method: clinical testing. Allele origin: germline.
Comment: This variant is not present in population databases (gnomAD no frequency). This sequence change replaces methionine, which is neutral and non-polar, with threonine, which is neutral and polar, at codon 1525 of the APC protein (p.Met1525Thr). This variant has not been reported in the literature in individuals affected with APC-related conditions. In summary, the available evidence is currently insufficient to determine the role of this variant in disease. Therefore, it has been classified as a Variant of Uncertain Significance. Algorithms developed to predict the effect of missense changes on protein structure and function are either unavailable or do not agree on the potential impact of this missense change (SIFT: "Tolerated"; PolyPhen-2: "Probably Damaging"; Align-GVGD: "Class C0"). ClinVar contains an entry for this variant (Variation ID: 1016142).

Ambry Genetics
Classification: Uncertain significance for Hereditary cancer-predisposing syndrome. Last evaluated: 2021-11-10. Review status: criteria provided, single submitter. Criteria: Ambry Variant Classification Scheme 2023. Collection method: clinical testing. Allele origin: germline.
Comment: The p.M1525T variant (also known as c.4574T>C), located in coding exon 15 of the APC gene, results from a T to C substitution at nucleotide position 4574. The methionine at codon 1525 is replaced by threonine, an amino acid with similar properties. This amino acid position is highly conserved in available vertebrate species. In addition, in silico predictors for this gene do not accurately predict pathogenicity. Since supporting evidence is limited at this time, the clinical significance of this alteration remains unclear.

GeneDx
Classification: Uncertain significance. Last evaluated: 2020-12-18. Review status: criteria provided, single submitter. Criteria: GeneDx Variant Classification Process June 2021. Collection method: clinical testing. Allele origin: germline. Affected: yes.
Comment: Not observed in large population cohorts (Lek 2016); In silico analysis supports that this missense variant does not alter protein structure/function; Has not been previously published as pathogenic or benign to our knowledge